The following is an entry in ClinVar:

ClinVar aggregate classification (germline): Uncertain significance (1 of 4 stars; one submission).

Conditions:
Cardiovascular phenotype. Identifiers: MedGen CN230736.

Submission:

Ambry Genetics
Classification: Uncertain significance for Cardiovascular phenotype. Last evaluated: 2021-06-28. Review status: criteria provided, single submitter. Criteria: Ambry Variant Classification Scheme 2023. Collection method: clinical testing. Allele origin: germline.
Comment: The c.2189_2191delCCA variant (also known as p.T730del) is located in coding exon 23 of the MYBPC3 gene. This variant results from an in-frame CCA deletion at nucleotide positions 2189 to 2191. This results in the in-frame deletion of a threonine at codon 730. This amino acid position is not well conserved in available vertebrate species. Since supporting evidence is limited at this time, the clinical significance of this alteration remains unclear.

NM_000256.3(MYBPC3):c.2186CCA[1] (p.Thr730del)

Gene: MYBPC3 (myosin binding protein C3; minus strand). Cytogenetic location: 11p11.2.
Variant type: Microsatellite.
Coding change: c.2186CCA[1] on transcript NM_000256.3 (MANE Select); one copy of the 3-base unit CCA starting at c.2186; the reference has two copies in a row; one copy, 3 bases deleted.
Protein change: p.Thr730del; deletes threonine 730.
Molecular consequence: inframe deletion.
Genome position (GRCh38, 1-based): chr11:47,338,637-47,338,639, TGG deleted on the plus strand (CCA on the coding strand, the reverse complement: MYBPC3 is on the minus strand); deleting any 3 consecutive bases within chr11:47,338,637-47,338,643 gives the same sequence; the position shown is the placement nearest the transcript's 3' end. VCF-style (leftmost placement, unchanged base first): chr11-47338636-TTGG-T. GRCh37 (hg19) VCF-style: chr11-47360187-TTGG-T.
Other names: c.2189_2191delCCA (NM_000256.3); short protein forms T730del.
Identifiers: ClinVar variation 1787370 (VCV001787370.2), dbSNP rs2495752562, ClinGen allele CA2580615676.